The following is an entry in ClinVar:

ClinVar aggregate classification (germline): Likely pathogenic (1 of 4 stars; one submission).

Conditions:
Neurodevelopmental disorder with congenital cardiac defects and variable renal and ocular abnormalities. Identifiers: MedGen C6065950, MONDO:0980965, OMIM 621474.

Submission:

Department of Genetics, University Medical Center Utrecht
Classification: Likely pathogenic for Neurodevelopmental disorder with congenital cardiac defects and variable renal and ocular abnormalities. Last evaluated: 2026-02-16. Review status: criteria provided, single submitter. Criteria: ACMG Guidelines, 2015. Collection method: clinical testing. Allele origin: de novo. Inheritance: Autosomal dominant inheritance. Affected: yes. Observed: 1 heterozygote.
Comment: The NM_032590.5 c.758A>G p.(His253Arg) missense variant in KDM2B was classified as LP, based on de novo occurence in affected child, absence from population databases, in silico predictions, and its presence in the JmcJ domain where other pathogenic variants have been reported (van Jaarsveld et al 2023). Patient sample tested negative on the KDM2B associated episignature.

Literature cited by the submitters: PubMed 36322151.

NM_032590.5(KDM2B):c.758A>G (p.His253Arg)

Gene: KDM2B (lysine demethylase 2B; minus strand). Cytogenetic location: 12q24.31.
Variant type: single nucleotide variant.
Coding change: c.758A>G on transcript NM_032590.5 (MANE Select); coding-DNA position 758, A replaced by G.
Protein change: p.His253Arg; replaces histidine 253 with arginine.
Molecular consequence: missense variant.
Genome position (GRCh38, 1-based): chr12:121,534,516, T>C on the plus strand (A>G on the coding strand, the complement: KDM2B is on the minus strand). VCF-style: chr12-121534516-T-C. GRCh37 (hg19) VCF-style: chr12-121972421-T-C.
Other names: c.758A>G, p.His253Arg (NM_001439018.1, NM_001439016.1, NM_001439017.1); c.665A>G, p.His222Arg (NM_001439020.1, NM_001439025.1, NM_001439026.1 and 1 more transcripts); c.647A>G, p.His216Arg (NM_001439021.1, NM_001439028.1); c.695A>G, p.His232Arg (NM_001439022.1, NM_001439023.1, NM_001439029.1); c.854A>G, p.His285Arg (NM_001439014.1, NM_001439015.1); short protein forms H232R, H253R, H216R, H222R, H285R.
Identifiers: ClinVar variation 4795800 (VCV004795800.1).